The following is an entry in ClinVar:

ClinVar aggregate classification (germline): Benign. Review status: criteria provided, multiple submitters, no conflicts (2 of 4 stars). 10 submissions from 9 submitters: Benign (8). 2 of the submissions do not count toward it. Last evaluated 2026-02-04.

Conditions:
Hennekam lymphangiectasia-lymphedema syndrome 2 (HKLLS2). Identifiers: Orphanet 2136, MedGen C4014939, MONDO:0014454, OMIM 616006.
Van Maldergem syndrome 2 (VMLDS2). Identifiers: Orphanet 314679, MedGen C3809875, MONDO:0014242, OMIM 615546.

Allele frequency attached by ClinVar (database versions not stated): ESP Exome Variant Server 0.13302; gnomAD exomes 0.14287 and 0.18306; gnomAD 0.14565 and 0.15176; TOPMed 0.15751; ExAC 0.17761; 1000 Genomes Project 30x 0.20347; 1000 Genomes Project 0.20467.
gnomAD v4.1: 232,422 of 1,613,962 alleles (14%); highest among the groups gnomAD compares: Admixed American, 30%; 18,966 homozygotes.

Submissions (10):

Labcorp Genetics (formerly Invitae), Labcorp
Classification: Benign. Last evaluated: 2026-02-04. Review status: criteria provided, single submitter. Criteria: Invitae Variant Classification Sherloc (09022015). Collection method: clinical testing. Allele origin: germline.

Blueprint Genetics
Classification: Benign. Last evaluated: 2024-11-26. Review status: criteria provided, single submitter. Criteria: ACMG Guidelines, 2015. Collection method: clinical testing. Allele origin: germline.

Unidad de Genómica Garrahan, Hospital de Pediatría Garrahan
Classification: Benign. Last evaluated: 2024-01-24. Review status: criteria provided, single submitter. Criteria: ACMG Guidelines, 2015. Collection method: clinical testing. Allele origin: germline. Affected: no. Observed: 42 variant alleles.
Comment: This variant is classified as Benign based on local population frequency. This variant was detected in 44% of patients studied by a panel of primary immunodeficiencies. Number of patients: 42. Only high quality variants are reported.

Genome-Nilou Lab
Classification: Benign for Hennekam lymphangiectasia-lymphedema syndrome 2. Last evaluated: 2021-08-10. Review status: criteria provided, single submitter. Criteria: ACMG Guidelines, 2015. Collection method: clinical testing. Allele origin: germline. Affected: no.

Genome-Nilou Lab
Classification: Benign for Van Maldergem syndrome 2. Last evaluated: 2021-08-10. Review status: criteria provided, single submitter. Criteria: ACMG Guidelines, 2015. Collection method: clinical testing. Allele origin: germline. Affected: no.

Mayo Clinic Laboratories, Mayo Clinic
Classification: Benign. Last evaluated: 2021-04-07. Review status: criteria provided, single submitter. Criteria: ACMG Guidelines, 2015. Collection method: clinical testing. Allele origin: germline. Observed: 2 variant alleles.

GeneDx
Classification: Benign. Last evaluated: 2016-01-20. Review status: criteria provided, single submitter. Criteria: GeneDx Variant Classification (06012015). Collection method: clinical testing. Allele origin: germline. Affected: yes.
Comment: This variant is considered likely benign or benign based on one or more of the following criteria: it is a conservative change, it occurs at a poorly conserved position in the protein, it is predicted to be benign by multiple in silico algorithms, and/or has population frequency not consistent with disease.

Breakthrough Genomics
Classification: Benign. Review status: criteria provided, single submitter. Criteria: ACMG Guidelines, 2015. Collection method: not provided. Allele origin: germline. Inheritance: Autosomal recessive inheritance. Affected: yes.

Clinical Genetics DNA and cytogenetics Diagnostics Lab, Erasmus MC, Erasmus Medical Center
Classification: Benign. Review status: no assertion criteria provided. Collection method: clinical testing. Allele origin: germline. Affected: yes. Study: VKGL Data-share Consensus. Not counted in ClinVar's aggregate classification.

Clinical Genetics, Academic Medical Center
Classification: Benign. Review status: no assertion criteria provided. Collection method: clinical testing. Allele origin: germline. Affected: yes. Study: VKGL Data-share Consensus. Not counted in ClinVar's aggregate classification.

NM_001291303.3(FAT4):c.6585T>C (p.Asn2195=)

Gene: FAT4 (FAT atypical cadherin 4; plus strand). Cytogenetic location: 4q28.1.
Variant type: single nucleotide variant.
Coding change: c.6585T>C on transcript NM_001291303.3 (MANE Select); coding-DNA position 6585, T replaced by C.
Protein change: p.Asn2195=; no amino-acid change (asparagine 2195 retained).
Molecular consequence: synonymous variant.
Genome position (GRCh38, 1-based): chr4:125,415,548, T>C. VCF-style: chr4-125415548-T-C. GRCh37 (hg19) VCF-style: chr4-126336703-T-C.
Other names: p.Asn2195=; c.6585T>C, p.Asn2195= (NM_001291285.3, NM_024582.6).
Identifiers: ClinVar variation 380794 (VCV000380794.17), dbSNP rs17009618, ClinGen allele CA3072943.